The following is an entry in ClinVar:

ClinVar aggregate classification (germline): Uncertain significance (1 of 4 stars; one submission).

Conditions:
Hereditary cancer-predisposing syndrome. Also called: Tumor predisposition; Hereditary neoplastic syndrome; Hereditary Cancer Syndrome; Neoplastic Syndromes, Hereditary. Identifiers: Orphanet 140162, MedGen C0027672, MeSH D009386, MONDO:0015356.

Submission:

Ambry Genetics
Classification: Uncertain significance for Hereditary cancer-predisposing syndrome. Last evaluated: 2025-05-23. Review status: criteria provided, single submitter. Criteria: Ambry Variant Classification Scheme 2023. Collection method: clinical testing. Allele origin: germline.
Comment: The c.1664-3delC intronic variant, located in intron 12 of the SDHA gene, results from a deletion of one nucleotide within intron 12 of the SDHA gene. This nucleotide position is well conserved in available vertebrate species. In silico splice site analysis predicts that this alteration will not have any significant effect on splicing. Based on the available evidence, the clinical significance of this variant remains unclear.

NM_004168.4(SDHA):c.1664-3del

Gene: SDHA (succinate dehydrogenase complex flavoprotein subunit A; plus strand). Cytogenetic location: 5p15.33.
Variant type: Deletion.
Coding change: c.1664-3del on transcript NM_004168.4 (MANE Select); 3 bases into the intron before coding-DNA position 1664, one base deleted (C; older notation c.1664-3delC).
Molecular consequence: intron variant.
Genome position (GRCh38, 1-based): chr5:251,335, C deleted; the last of 4 consecutive C bases (chr5:251,332-251,335); deleting any one gives the same sequence. VCF-style (leftmost placement, unchanged base first): chr5-251331-TC-T. GRCh37 (hg19) VCF-style: chr5-251446-TC-T.
Other names: c.1552-3058del (NM_001330758.2); c.1520-3del (NM_001294332.2).
Identifiers: ClinVar variation 3951355 (VCV003951355.1).